The following is an entry in ClinVar:

ClinVar aggregate classification (germline): Likely benign. Review status: criteria provided, multiple submitters, no conflicts (2 of 4 stars). 5 submissions from 4 submitters: Likely benign (5). Last evaluated 2026-08-01.

Conditions:
Hereditary cancer-predisposing syndrome. Also called: Hereditary neoplastic syndrome; Tumor predisposition; Neoplastic Syndromes, Hereditary; Hereditary Cancer Syndrome. Identifiers: Orphanet 140162, MedGen C0027672, MeSH D009386, MONDO:0015356.
Cardiovascular phenotype. Identifiers: MedGen CN230736.
Neurofibromatosis, type 1 (NF1). Also called: NEUROFIBROMATOSIS, TYPE I, SOMATIC; Neurofibromatosis, type I; Peripheral type neurofibromatosis; VON RECKLINGHAUSEN DISEASE. Identifiers: Orphanet 636, MedGen C0027831, MONDO:0018975, OMIM 162200. Disease mechanism: loss of function.

Allele frequency attached by ClinVar (database versions not stated): gnomAD exomes below 0.00001.
gnomAD v4.1: 1 of 1,613,918 alleles (0.000062%); highest among the groups gnomAD compares: Non-Finnish European, 0.000085%; no homozygotes.

Submissions (5):

CeGaT Center for Human Genetics Tuebingen
Classification: Likely benign. Last evaluated: 2026-08-01. Review status: criteria provided, single submitter. Criteria: CeGaT Center For Human Genetics Tuebingen Variant Classification Criteria Version 2. Collection method: clinical testing. Allele origin: germline. Affected: yes. Observed: 1 variant allele.
Comment: NF1: BP4, BP7

Labcorp Genetics (formerly Invitae), Labcorp
Classification: Likely benign for Neurofibromatosis, type 1. Last evaluated: 2025-02-19. Review status: criteria provided, single submitter. Criteria: Invitae Variant Classification Sherloc (09022015). Collection method: clinical testing. Allele origin: germline.

Ambry Genetics
Classification: Likely benign for Cardiovascular phenotype; Hereditary cancer-predisposing syndrome. Last evaluated: 2023-04-03. Review status: criteria provided, single submitter. Criteria: Ambry Variant Classification Scheme 2023. Collection method: clinical testing. Allele origin: germline.

Genome-Nilou Lab
Classification: Likely benign for Neurofibromatosis, type 1. Last evaluated: 2022-03-15. Review status: criteria provided, single submitter. Criteria: ACMG Guidelines, 2015. Collection method: clinical testing. Allele origin: germline. Affected: no.

Ambry Genetics
Classification: Likely benign for Hereditary cancer-predisposing syndrome. Last evaluated: 2016-03-16. Review status: criteria provided, single submitter. Criteria: Ambry Autosomal Dominant and X-Linked criteria (10/2015). Collection method: clinical testing. Allele origin: germline. Observed: 1 variant allele.
Comment: Synonymous alterations with insufficient evidence to classify as benign

NM_001042492.3(NF1):c.7989T>C (p.Ser2663=)

Gene: NF1 (neurofibromin 1; plus strand). Cytogenetic location: 17q11.2.
Variant type: single nucleotide variant.
Coding change: c.7989T>C on transcript NM_001042492.3 (MANE Select); coding-DNA position 7989, T replaced by C.
Protein change: p.Ser2663=; no amino-acid change (serine 2663 retained).
Molecular consequence: synonymous variant.
Genome position (GRCh38, 1-based): chr17:31,358,498, T>C. VCF-style: chr17-31358498-T-C. GRCh37 (hg19) VCF-style: chr17-29685516-T-C.
Other names: c.7926T>C, p.Ser2642= (NM_000267.4).
Identifiers: ClinVar variation 484023 (VCV000484023.13), dbSNP rs1555536881, ClinGen allele CA499344379.
Genomic context (GRCh38, chr17:31,358,498, plus strand): 5'-TTCCTCTAAAATGTTCCTCTGTTGACTTTTTTTTTCTTTTAGGCATAATTTGTTGGACTC[T>C]AAGATCAACACCCTGTTATCATTGTGCCAAGATCCAAATTTGTTAAATCCAATCCATGGA-3'
Protein context (NP_001035957.1, residues 2653-2673): VFPVVHNLLD[Ser2663=]KINTLLSLCQ